The following is an entry in ClinVar:

NM_182961.4(SYNE1):c.25594G>C (p.Asp8532His)

Gene: SYNE1 (spectrin repeat containing nuclear envelope protein 1; minus strand). Cytogenetic location: 6q25.2.
Variant type: single nucleotide variant.
Coding change: c.25594G>C on transcript NM_182961.4 (MANE Select); coding-DNA position 25594, G replaced by C.
Protein change: p.Asp8532His; replaces aspartic acid 8532 with histidine.
Molecular consequence: missense variant.
Genome position (GRCh38, 1-based): chr6:152,136,683, C>G on the plus strand (G>C on the coding strand, the complement: SYNE1 is on the minus strand). VCF-style: chr6-152136683-C-G. GRCh37 (hg19) VCF-style: chr6-152457818-C-G.
Other names: c.2200G>C, p.Asp734His (NM_001347701.2); c.2128G>C, p.Asp710His (NM_001347702.2); c.25450G>C, p.Asp8484His (NM_033071.5); short protein forms D710H, D734H, D8484H, D8532H.
Identifiers: ClinVar variation 4682247 (VCV004682247.1).

ClinVar aggregate classification (germline): Uncertain significance (1 of 4 stars; one submission).

gnomAD v4.1: 1 of 1,614,206 alleles (0.000062%); highest among the groups gnomAD compares: Admixed American, 0.0017%; no homozygotes.

Submission:

Athena Diagnostics
Classification: Uncertain significance. Last evaluated: 2025-01-13. Review status: criteria provided, single submitter. Criteria: Athena Diagnostics Criteria. Collection method: clinical testing. Allele origin: unknown.
Comment: Available data are insufficient to determine the clinical significance of the variant at this time. The frequency of this variant in the general population is uninformative in assessment of its pathogenicity. Polyphen and MutationTaster yielded discordant predictions regarding whether this amino acid change is damaging to the protein.